The following is an entry in ClinVar:

NM_052865.4(MGME1):c.12G>C (p.Lys4Asn)

Genes: MGME1 (mitochondrial genome maintenance exonuclease 1; plus strand), LOC126862983 (CDK7 strongly-dependent group 2 enhancer GRCh37_chr20:17950167-17951366; plus strand). Cytogenetic location: 20p11.23.
Variant type: single nucleotide variant.
Coding change: c.12G>C on transcript NM_052865.4 (MANE Select); coding-DNA position 12, G replaced by C.
Protein change: p.Lys4Asn; replaces lysine 4 with asparagine.
Molecular consequence: missense variant.
Genome position (GRCh38, 1-based): chr20:17,969,871, G>C. VCF-style: chr20-17969871-G-C. GRCh37 (hg19) VCF-style: chr20-17950514-G-C.
Other names: c.12G>C, p.Lys4Asn (NM_001310338.2, NM_001310339.2, NM_001363738.2); short protein forms K4N.
Identifiers: ClinVar variation 2662636 (VCV002662636.2), dbSNP rs746885927, ClinGen allele CA9774862.

ClinVar aggregate classification (germline): Uncertain significance. Review status: criteria provided, multiple submitters, no conflicts (2 of 4 stars). 2 submissions from 2 submitters: Uncertain significance (2). Last evaluated 2023-10-10.

Conditions:
Inborn genetic diseases. Identifiers: MedGen C0950123, MeSH D030342.

Allele frequency attached by ClinVar (database versions not stated): gnomAD exomes 0.00002; TOPMed 0.00002; ExAC 0.00003.
gnomAD v4.1: 21 of 1,608,132 alleles (0.0013%); highest among the groups gnomAD compares: Middle Eastern, 0.017%; no homozygotes.

Submissions (2):

Ambry Genetics
Classification: Uncertain significance for Inborn genetic diseases. Last evaluated: 2023-10-10. Review status: criteria provided, single submitter. Criteria: Ambry Variant Classification Scheme 2023. Collection method: clinical testing. Allele origin: germline.

GeneDx
Classification: Uncertain significance. Last evaluated: 2023-04-21. Review status: criteria provided, single submitter. Criteria: GeneDx Variant Classification Process June 2021. Collection method: clinical testing. Allele origin: germline. Affected: yes.
Comment: Not observed at significant frequency in large population cohorts (gnomAD); In silico analysis supports that this missense variant does not alter protein structure/function; Has not been previously published as pathogenic or benign to our knowledge